The following is an entry in ClinVar:

NM_000094.4(COL7A1):c.7929+11_7929+26del

Gene: COL7A1 (collagen type VII alpha 1 chain; minus strand). Cytogenetic location: 3p21.31.
Variant type: Deletion.
Coding change: c.7929+11_7929+26del on transcript NM_000094.4 (MANE Select); bases 11 to 26 of the intron after coding-DNA position 7929, 16 bases deleted (GATGGGGGCTGGGGGG).
Molecular consequence: intron variant.
Genome position (GRCh38, 1-based): chr3:48,567,812-48,567,827, CCCCCCAGCCCCCATC deleted on the plus strand (GATGGGGGCTGGGGGG on the coding strand, the reverse complement: COL7A1 is on the minus strand); deleting any 16 consecutive bases within chr3:48,567,812-48,567,830 gives the same sequence; the c. name uses the placement nearest the transcript's 3' end. VCF-style (leftmost placement, unchanged base first): chr3-48567811-GCCCCCCAGCCCCCATC-G. GRCh37 (hg19) VCF-style: chr3-48605244-GCCCCCCAGCCCCCATC-G.
Identifiers: ClinVar variation 1676612 (VCV001676612.2), dbSNP rs773394779, ClinGen allele CA2378248.

ClinVar aggregate classification (germline): Conflicting classifications of pathogenicity. Review status: criteria provided, conflicting classifications (1 of 4 stars). 2 submissions from 2 submitters: Likely pathogenic (1); Uncertain significance (1). Last evaluated 2026-08-05.

Conditions:
Recessive dystrophic epidermolysis bullosa (RDEB). Also called: epidermolysis bullosa dystrophica, autosomal recessive; Recessive DEB (RDEB); DYSTROPHIC EPIDERMOLYSIS BULLOSA, AUTOSOMAL RECESSIVE; EPIDERMOLYSIS BULLOSA DYSTROPHICA, HALLOPEAU-SIEMENS TYPE; EPIDERMOLYSIS BULLOSA DYSTROPHICA, GENERALIZED SEVERE, AUTOSOMAL RECESSIVE; Hallopeau-Siemens Disease. Identifiers: Orphanet 79408, Orphanet 79409, MedGen C0079474, MONDO:0009179, OMIM 226600.

Submissions (2):

Myriad Genetics, Inc.
Classification: Likely pathogenic for Recessive dystrophic epidermolysis bullosa. Last evaluated: 2026-08-05. Review status: criteria provided, single submitter. Criteria: Myriad Autosomal Dominant, Autosomal Recessive and X-Linked Classification Criteria (2023). Collection method: clinical testing. Allele origin: unknown.
Comment: NM_000094.3(COL7A1):c.7929+11_7929+26del16 is an intronic variant classified as likely pathogenic in the context of dystrophic epidermolysis bullosa. c.7929+11_7929+26del16 has been observed in cases with relevant disease (PMID: 16971478, 23769655, 28830826, 31578311). Relevant functional assessments of this variant are not available in the literature. c.7929+11_7929+26del16 has not been observed in referenced population frequency databases. In summary, NM_000094.3(COL7A1):c.7929+11_7929+26del16 is an intronic variant that has been observed more frequently in cases with the relevant disease than in healthy populations. Please note: this variant was assessed in the context of healthy population screening.

Center for Research in Genodermatoses and Epidermolysis Bullosa, University of Buenos Aires
Classification: Uncertain significance for Recessive dystrophic epidermolysis bullosa. Last evaluated: 2022-03-14. Review status: criteria provided, single submitter. Criteria: ACMG Guidelines, 2015. Collection method: clinical testing. Allele origin: germline. Affected: yes. Observed: 2 variant alleles, 2 compound heterozygotes.

Literature cited by the submitters: PubMed 16971478 (cited by Myriad Genetics, Inc.); PubMed 23769655 (cited by Myriad Genetics, Inc.); PubMed 28830826 (cited by Myriad Genetics, Inc.); PubMed 31578311 (cited by Myriad Genetics, Inc.); PubMed 35979658 (cited by Center for Research in Genodermatoses and Epidermolysis Bullosa, University of Buenos Aires).